The following is an entry in ClinVar:

NM_007194.4(CHEK2):c.571C>G (p.Leu191Val)

Gene: CHEK2 (checkpoint kinase 2; minus strand). Cytogenetic location: 22q12.1.
Variant type: single nucleotide variant.
Coding change: c.571C>G on transcript NM_007194.4 (MANE Select); coding-DNA position 571, C replaced by G.
Protein change: p.Leu191Val; replaces leucine 191 with valine.
Molecular consequence: missense variant. On other transcripts: 5 prime UTR variant (2), intron variant (1).
Genome position (GRCh38, 1-based): chr22:28,724,998, G>C on the plus strand (C>G on the coding strand, the complement: CHEK2 is on the minus strand). VCF-style: chr22-28724998-G-C. GRCh37 (hg19) VCF-style: chr22-29120986-G-C.
Other names: c.700C>G, p.Leu234Val (NM_001005735.3, NM_001438294.1); c.-207C>G (NM_001257387.3); c.-93C>G (NM_001437942.1); c.664C>G, p.Leu222Val (NM_001438293.1, NM_001438295.1); c.571C>G, p.Leu191Val (NM_145862.3); c.445-75C>G (NM_001349956.3); short protein forms L191V, L234V, L222V.
Identifiers: ClinVar variation 481732 (VCV000481732.17), dbSNP rs1555926762, ClinGen allele CA411107056.
Genomic context (GRCh38, chr22:28,724,998, plus strand): 5'-AAAAAAAAAATTCCAGTAACCATAAGATAATAATATTACCTTTATTTCTGCTTAGTGACA[G>C]TGCAATTTCAGAATTGTTATTCAAAGGACGGCGTTTTCCTTTCCCTACAAGCTCTGTATT-3'
Protein context (NP_009125.1, residues 181-201): RPLNNNSEIA[Leu191Val]SLSRNKVFVF

ClinVar aggregate classification (germline): Uncertain significance. Review status: criteria provided, multiple submitters, no conflicts (2 of 4 stars). 2 submissions from 2 submitters: Uncertain significance (2). Last evaluated 2025-03-05.

Conditions:
Hereditary cancer-predisposing syndrome. Also called: Neoplastic Syndromes, Hereditary; Tumor predisposition; Hereditary Cancer Syndrome; Hereditary neoplastic syndrome. Identifiers: Orphanet 140162, MedGen C0027672, MeSH D009386, MONDO:0015356.
Familial cancer of breast. Also called: BREAST CANCER, FAMILIAL; Hereditary breast cancer; hereditary breast carcinoma. Identifiers: Orphanet 227535, MedGen C0346153, MONDO:0016419, OMIM 114480. Disease mechanism: loss of function.

Submissions (2):

Ambry Genetics
Classification: Uncertain significance for Hereditary cancer-predisposing syndrome. Last evaluated: 2025-03-05. Review status: criteria provided, single submitter. Criteria: Ambry Variant Classification Scheme 2023. Collection method: clinical testing. Allele origin: germline.
Comment: The p.L191V variant (also known as c.571C>G), located in coding exon 3 of the CHEK2 gene, results from a C to G substitution at nucleotide position 571. The leucine at codon 191 is replaced by valine, an amino acid with highly similar properties. This amino acid position is highly conserved in available vertebrate species. In addition, the in silico prediction for this alteration is inconclusive. Based on the available evidence, the clinical significance of this variant remains unclear.

Labcorp Genetics (formerly Invitae), Labcorp
Classification: Uncertain significance for Familial cancer of breast. Last evaluated: 2023-07-15. Review status: criteria provided, single submitter. Criteria: Invitae Variant Classification Sherloc (09022015). Collection method: clinical testing. Allele origin: germline.
Comment: In summary, the available evidence is currently insufficient to determine the role of this variant in disease. Therefore, it has been classified as a Variant of Uncertain Significance. ClinVar contains an entry for this variant (Variation ID: 481732). This variant has not been reported in the literature in individuals affected with CHEK2-related conditions. This variant is not present in population databases (gnomAD no frequency). This sequence change replaces leucine, which is neutral and non-polar, with valine, which is neutral and non-polar, at codon 191 of the CHEK2 protein (p.Leu191Val). An algorithm developed to predict the effect of missense changes on protein structure and function (PolyPhen-2) suggests that this variant is likely to be disruptive.